The following is an entry in ClinVar:

NM_000533.5(PLP1):c.788A>G (p.Tyr263Cys)

Genes: PLP1 (proteolipid protein 1; plus strand), RAB9B (RAB9B, member RAS oncogene family; minus strand). Cytogenetic location: Xq22.2.
Variant type: single nucleotide variant.
Coding change: c.788A>G on transcript NM_000533.5 (MANE Select); coding-DNA position 788, A replaced by G.
Protein change: p.Tyr263Cys; replaces tyrosine 263 with cysteine.
Molecular consequence: missense variant.
Genome position (GRCh38, 1-based): chrX:103,790,552, A>G. VCF-style: chrX-103790552-A-G. GRCh37 (hg19) VCF-style: chrX-103045480-A-G.
Other names: c.788A>G, p.Tyr263Cys (NM_001128834.3); c.623A>G, p.Tyr208Cys (NM_001305004.1); c.683A>G, p.Tyr228Cys (NM_199478.3); short protein forms Y208C, Y228C, Y263C.
Identifiers: ClinVar variation 1021972 (VCV001021972.7), dbSNP rs2074536482, ClinGen allele CA414104914.
Genomic context (GRCh38, chrX:103,790,552, plus strand): 5'-ACTCTCATTCACATTCTCTCTTCTGTTCCCTACAGCTCACCTTCATGATTGCTGCCACTT[A>G]CAACTTTGCCGTCCTTAAACTCATGGGCCGAGGCACCAAGTTCTGATCCCCCGTAGAAAT-3'
Protein context (NP_000524.3, residues 253-273): SLLTFMIAAT[Tyr263Cys]NFAVLKLMGR

ClinVar aggregate classification (germline): Uncertain significance (1 of 4 stars; one submission).

Conditions:
Hereditary spastic paraplegia 2 (SPG2). Also called: SPASTIC PARAPLEGIA 2, X-LINKED; Spastic Paraplegia 2 (SPG2). Identifiers: Orphanet 99015, MedGen C0751604, MONDO:0010733, OMIM 312920.

Submission:

Labcorp Genetics (formerly Invitae), Labcorp
Classification: Uncertain significance for Hereditary spastic paraplegia 2. Last evaluated: 2020-06-06. Review status: criteria provided, single submitter. Criteria: Invitae Variant Classification Sherloc (09022015). Collection method: clinical testing. Allele origin: germline.
Comment: This sequence change replaces tyrosine with cysteine at codon 263 of the PLP1 protein (p.Tyr263Cys). The tyrosine residue is highly conserved and there is a large physicochemical difference between tyrosine and cysteine. This variant is not present in population databases (ExAC no frequency). This variant has been observed in individual(s) with hereditary spastic paraplegia (PMID: 22101368). Algorithms developed to predict the effect of missense changes on protein structure and function are either unavailable or do not agree on the potential impact of this missense change (SIFT: "Not Available"; PolyPhen-2: "Probably Damaging"; Align-GVGD: "Not Available"). In summary, the available evidence is currently insufficient to determine the role of this variant in disease. Therefore, it has been classified as a Variant of Uncertain Significance.

Literature cited by the submitters: PubMed 22101368.